The following is an entry in ClinVar:

NM_001204375.2(NPR3):c.763G>C (p.Glu255Gln)

Genes: NPR3 (natriuretic peptide receptor 3; plus strand), LOC123493284 (Sharpr-MPRA regulatory region 158; plus strand). Cytogenetic location: 5p13.3.
Variant type: single nucleotide variant.
Coding change: c.763G>C on transcript NM_001204375.2 (MANE Select); coding-DNA position 763, G replaced by C.
Protein change: p.Glu255Gln; replaces glutamic acid 255 with glutamine.
Molecular consequence: missense variant. On other transcripts: intron variant (4).
Genome position (GRCh38, 1-based): chr5:32,712,539, G>C. VCF-style: chr5-32712539-G-C. GRCh37 (hg19) VCF-style: chr5-32712645-G-C.
Other names: c.763G>C, p.Glu255Gln (NM_000908.4); c.50-12159G>C (NM_001364458.2); c.121+1756G>C (NM_001363652.2, NM_001204376.2, NM_001364460.2); c.763G>C (NM_001204375.1); short protein forms E255Q.
Identifiers: ClinVar variation 1519290 (VCV001519290.7), dbSNP rs746508357, ClinGen allele CA3222418.
Genomic context (GRCh38, chr5:32,712,539, plus strand): 5'-AGTTTCGACGAGACCAAAGACTTGGATCTGGAAGACATCGTGCGCAATATCCAGGCCAGT[G>C]AGAGAGGTGAGCAGGGGCGCGTCCCGGGCCCCGGGCCCTAACCCAACCGCTCTCCGCGGC-3'
Protein context (NP_001191304.1, residues 245-265): EDIVRNIQAS[Glu255Gln]RVVIMCASSD

ClinVar aggregate classification (germline): Uncertain significance. Review status: criteria provided, multiple submitters, no conflicts (2 of 4 stars). 2 submissions from 2 submitters: Uncertain significance (2). Last evaluated 2022-09-01.

Conditions:
Inborn genetic diseases. Identifiers: MedGen C0950123, MeSH D030342.

Allele frequency attached by ClinVar (database versions not stated): TOPMed below 0.00001; gnomAD exomes 0.00001 and 0.00003; ExAC 0.00002.
gnomAD v4.1: 4 of 1,519,852 alleles (0.00026%); highest among the groups gnomAD compares: Admixed American, 0.0079%; no homozygotes.

Submissions (2):

Labcorp Genetics (formerly Invitae), Labcorp
Classification: Uncertain significance. Last evaluated: 2022-09-01. Review status: criteria provided, single submitter. Criteria: Invitae Variant Classification Sherloc (09022015). Collection method: clinical testing. Allele origin: germline.
Comment: This variant is present in population databases (rs746508357, gnomAD 0.02%). In summary, the available evidence is currently insufficient to determine the role of this variant in disease. Therefore, it has been classified as a Variant of Uncertain Significance. Algorithms developed to predict the effect of missense changes on protein structure and function are either unavailable or do not agree on the potential impact of this missense change (SIFT: "Tolerated"; PolyPhen-2: "Probably Damaging"; Align-GVGD: "Class C0"). ClinVar contains an entry for this variant (Variation ID: 1519290). This variant has not been reported in the literature in individuals affected with NPR3-related conditions. This sequence change replaces glutamic acid, which is acidic and polar, with glutamine, which is neutral and polar, at codon 255 of the NPR3 protein (p.Glu255Gln).

Ambry Genetics
Classification: Uncertain significance for Inborn genetic diseases. Last evaluated: 2022-06-28. Review status: criteria provided, single submitter. Criteria: Ambry Variant Classification Scheme 2023. Collection method: clinical testing. Allele origin: germline.